The following is an entry in ClinVar:

NM_001353812.2(ATP11C):c.762C>T (p.Thr254=)

Gene: ATP11C (ATPase phospholipid transporting 11C (ATP11C blood group); minus strand). Cytogenetic location: Xq27.1.
Variant type: single nucleotide variant.
Coding change: c.762C>T on transcript NM_001353812.2 (MANE Select); coding-DNA position 762, C replaced by T.
Protein change: p.Thr254=; no amino-acid change (threonine 254 retained).
Molecular consequence: synonymous variant.
Genome position (GRCh38, 1-based): chrX:139,798,692, G>A on the plus strand (C>T on the coding strand, the complement: ATP11C is on the minus strand). VCF-style: chrX-139798692-G-A. GRCh37 (hg19) VCF-style: chrX-138880851-G-A.
Other names: c.771C>T, p.Thr257= (NM_001010986.3, NM_173694.5); c.762C>T, p.Thr254= (NM_001353810.2, NM_001353811.2).
Identifiers: ClinVar variation 2661534 (VCV002661534.24), dbSNP rs149099186, ClinGen allele CA10531113.

ClinVar aggregate classification (germline): Likely benign (1 of 4 stars; one submission).

Allele frequency attached by ClinVar (database versions not stated): ExAC 0.00007; ESP Exome Variant Server 0.00019; gnomAD 0.00019; 1000 Genomes Project 30x 0.00021; TOPMed 0.00023.
gnomAD v4.1: 47 of 1,197,650 alleles (0.0039%); highest among the groups gnomAD compares: African/African-American, 0.05%; no homozygotes.

Submission:

CeGaT Center for Human Genetics Tuebingen
Classification: Likely benign. Last evaluated: 2023-01-01. Review status: criteria provided, single submitter. Criteria: CeGaT Center For Human Genetics Tuebingen Variant Classification Criteria Version 2. Collection method: clinical testing. Allele origin: germline. Affected: yes. Observed: 1 variant allele.
Comment: ATP11C: BP4, BP7, BS2